The following is an entry in ClinVar:

NM_002458.3(MUC5B):c.14985C>T (p.Ser4995=)

Gene: MUC5B (mucin 5B, oligomeric mucus/gel-forming; plus strand). Cytogenetic location: 11p15.5.
Variant type: single nucleotide variant.
Coding change: c.14985C>T on transcript NM_002458.3 (MANE Select); coding-DNA position 14985, C replaced by T.
Protein change: p.Ser4995=; no amino-acid change (serine 4995 retained).
Molecular consequence: synonymous variant.
Genome position (GRCh38, 1-based): chr11:1,252,464, C>T. VCF-style: chr11-1252464-C-T. GRCh37 (hg19) VCF-style: chr11-1273694-C-T.
Identifiers: ClinVar variation 2641315 (VCV002641315.24), dbSNP rs370196435, ClinGen allele CA5808899.

ClinVar aggregate classification (germline): Likely benign (1 of 4 stars; one submission).

Allele frequency attached by ClinVar (database versions not stated): ESP Exome Variant Server 0.00008; TOPMed 0.00017; gnomAD 0.00021; gnomAD exomes 0.00023; ExAC 0.00025; 1000 Genomes Project 0.00060; 1000 Genomes Project 30x 0.00062.
gnomAD v4.1: 373 of 1,605,716 alleles (0.023%); highest among the groups gnomAD compares: South Asian, 0.1%; 1 homozygote.

Submission:

CeGaT Center for Human Genetics Tuebingen
Classification: Likely benign. Last evaluated: 2023-03-01. Review status: criteria provided, single submitter. Criteria: CeGaT Center For Human Genetics Tuebingen Variant Classification Criteria Version 2. Collection method: clinical testing. Allele origin: germline. Affected: yes. Observed: 1 variant allele.
Comment: MUC5B: BP4, BP7